The following is an entry in ClinVar:

NM_006393.3(NEBL):c.2044C>T (p.Gln682Ter)

Gene: NEBL (nebulette; minus strand). Cytogenetic location: 10p12.31.
Variant type: single nucleotide variant.
Coding change: c.2044C>T on transcript NM_006393.3 (MANE Select); coding-DNA position 2044, C replaced by T.
Protein change: p.Gln682Ter; replaces glutamine 682 with a stop codon.
Molecular consequence: nonsense. On other transcripts: intron variant (9).
Genome position (GRCh38, 1-based): chr10:20,819,435, G>A on the plus strand (C>T on the coding strand, the complement: NEBL is on the minus strand). VCF-style: chr10-20819435-G-A. GRCh37 (hg19) VCF-style: chr10-21108364-G-A.
Other names: c.250-6495C>T (NM_001377326.1, NM_001377327.1, NM_001377328.1); c.358-6495C>T (NM_213569.2, NM_001173484.2, NM_001377322.1); c.301-6495C>T (NM_001377324.1); c.292-6495C>T (NM_001377325.1); c.310-6495C>T (NM_001377323.1); short protein forms Q682*.
Identifiers: ClinVar variation 412256 (VCV000412256.9), dbSNP rs763512999, ClinGen allele CA5432635.

ClinVar aggregate classification (germline): Uncertain significance. Review status: criteria provided, multiple submitters, no conflicts (2 of 4 stars). 3 submissions from 3 submitters: Uncertain significance (3). Last evaluated 2025-09-27.

Conditions:
Sudden unexplained death. Identifiers: MedGen C0520806.
Primary dilated cardiomyopathy (DCM). Also called: Dilated Cardiomyopathy. Identifiers: Orphanet 217604, MedGen C0007193, MeSH D002311, MONDO:0005021, HP:0001644. Inheritance: Various modes of inheritance.

Allele frequency attached by ClinVar (database versions not stated): ExAC 0.00001; gnomAD 0.00002; gnomAD exomes 0.00002 and 0.00006; TOPMed 0.00002.
gnomAD v4.1: 87 of 1,613,956 alleles (0.0054%); highest among the groups gnomAD compares: Non-Finnish European, 0.0066%; no homozygotes.

Submissions (3):

Labcorp Genetics (formerly Invitae), Labcorp
Classification: Uncertain significance for Primary dilated cardiomyopathy. Last evaluated: 2025-09-27. Review status: criteria provided, single submitter. Criteria: Invitae Variant Classification Sherloc (09022015). Collection method: clinical testing. Allele origin: germline.
Comment: This sequence change creates a premature translational stop signal (p.Gln682*) in the NEBL gene. It is expected to result in an absent or disrupted protein product. However, the current clinical and genetic evidence is not sufficient to establish whether loss-of-function variants in NEBL cause disease. This variant is present in population databases (rs763512999, gnomAD 0.002%). This variant has not been reported in the literature in individuals affected with NEBL-related conditions. ClinVar contains an entry for this variant (Variation ID: 412256). Algorithms developed to predict the effect of sequence changes on RNA splicing suggest that this variant may disrupt the consensus splice site. In summary, the available evidence is currently insufficient to determine the role of this variant in disease. Therefore, it has been classified as a Variant of Uncertain Significance.

Women's Health and Genetics/Laboratory Corporation of America, LabCorp
Classification: Uncertain significance. Last evaluated: 2023-12-04. Review status: criteria provided, single submitter. Criteria: LabCorp Variant Classification Summary - May 2015. Collection method: clinical testing. Allele origin: germline.
Comment: Variant summary: NEBL c.2044C>T (p.Gln682X) results in a premature termination codon, predicted to cause a truncation of the encoded protein or absence of the protein due to nonsense mediated decay, however current evidence is not sufficient to establish loss-of-function variants in NEBL as causative of disease. The variant allele was found at a frequency of 1.6e-05 in 251290 control chromosomes. The available data on variant occurrences in the general population are insufficient to allow any conclusion about variant significance. To our knowledge, no occurrence of c.2044C>T in individuals affected with Dilated Cardiomyopathy and no experimental evidence demonstrating its impact on protein function have been reported. Two submitters have cited clinical-significance assessments for this variant to ClinVar after 2014. All submitters classified the variant as uncertain significance. Based on the evidence outlined above, the variant was classified as uncertain significance.

Agnes Ginges Centre for Molecular Cardiology, Centenary Institute
Classification: Uncertain significance for Sudden unexplained death. Last evaluated: 2018-02-09. Review status: criteria provided, single submitter. Criteria: ACMG Guidelines, 2015. Collection method: research. Allele origin: germline. Inheritance: Autosomal dominant inheritance. Affected: yes.
Comment: NEBL Gln682Ter has not been previously reported and is absent from the Genome Aggregation Database. Based on rarity in the general population and limited information on loss of function variants in NEBL, we classify NEBL Gln682Ter as a variant of "uncertain significance".